The following is an entry in ClinVar:

ClinVar aggregate classification (germline): Uncertain significance (1 of 4 stars; one submission).

Conditions:
Griscelli syndrome type 1 (GS1). Also called: PARTIAL ALBINISM AND PRIMARY NEUROLOGIC DISEASE WITHOUT HEMOPHAGOCYTIC SYNDROME; GRISCELLI SYNDROME WITH NEUROLOGIC IMPAIRMENT; GRISCELLI SYNDROME, CUTANEOUS AND NEUROLOGIC TYPE. Identifiers: Orphanet 381, Orphanet 79476, MedGen C1859194, MONDO:0008962, OMIM 214450.

Submission:

Institute of Human Genetics, University of Leipzig Medical Center
Classification: Uncertain significance for Griscelli syndrome type 1. Last evaluated: 2022-01-07. Review status: criteria provided, single submitter. Criteria: ACMG Guidelines, 2015. Collection method: clinical testing. Allele origin: inherited. Inheritance: Autosomal recessive inheritance. Affected: yes.
Comment: Criteria applied: PM2_SUP,PM3_SUP,PP2,PP3

NM_001382347.1(MYO5A):c.1958C>T (p.Thr653Ile)

Gene: MYO5A (myosin VA; minus strand). Cytogenetic location: 15q21.2.
Variant type: single nucleotide variant.
Coding change: c.1958C>T on transcript NM_001382347.1 (MANE Select); coding-DNA position 1958, C replaced by T.
Protein change: p.Thr653Ile; replaces threonine 653 with isoleucine.
Molecular consequence: missense variant.
Genome position (GRCh38, 1-based): chr15:52,383,145, G>A on the plus strand (C>T on the coding strand, the complement: MYO5A is on the minus strand). VCF-style: chr15-52383145-G-A. GRCh37 (hg19) VCF-style: chr15-52675342-G-A.
Other names: c.1958C>T, p.Thr653Ile (NM_000259.3, NM_001142495.2, NM_001411135.1); c.2030C>T, p.Thr677Ile (NM_001382348.1, NM_001382349.1); short protein forms T653I, T677I.
Identifiers: ClinVar variation 2627586 (VCV002627586.2), dbSNP rs2041829173, ClinGen allele CA392522620.